The following is an entry in ClinVar:

NM_175929.3(FGF14):c.208+180763T>C

Gene: FGF14 (fibroblast growth factor 14; minus strand). Cytogenetic location: 13q33.1.
Variant type: single nucleotide variant.
Coding change: c.208+180763T>C on transcript NM_175929.3 (MANE Plus Clinical); 180763 bases into the intron after coding-DNA position 208, T replaced by C.
Molecular consequence: intron variant. On other transcripts: missense variant (3), initiator codon variant (3).
Genome position (GRCh38, 1-based): chr13:102,220,708, A>G on the plus strand (T>C on the coding strand, the complement: FGF14 is on the minus strand). VCF-style: chr13-102220708-A-G. GRCh37 (hg19) VCF-style: chr13-102873058-A-G.
Other names: c.2T>C, p.Met1Thr (NM_001321933.1, NM_001321938.2, NM_001321940.1); c.52+180763T>C (NM_001321947.2); c.91+180763T>C (NM_001379342.1, NM_001321948.2, NM_001321945.2); c.-60+145737T>C (NM_001321946.2, NM_001321949.1); c.208+180763T>C (NM_001321939.2, NM_001321937.2); c.7+73266T>C (NM_001321941.2); c.-323-27345T>C (NM_001321944.1, NM_001321936.1, NM_001321932.1); c.-170-14731T>C (NM_001321943.1); and 4 more; short protein forms M1T.
Identifiers: ClinVar variation 1675528 (VCV001675528.36), dbSNP rs61965280, ClinGen allele CA16479975.

ClinVar aggregate classification (germline): Benign/Likely benign. Review status: criteria provided, multiple submitters, no conflicts (2 of 4 stars). 4 submissions from 4 submitters: Benign (1); Likely benign (2). 1 of the submissions does not count toward it. Last evaluated 2024-11-27.

Conditions:
FGF14-related disorder. Also called: FGF14-related condition.

Allele frequency attached by ClinVar (database versions not stated): TOPMed 0.00880; gnomAD 0.00922 and 0.00943; 1000 Genomes Project 30x 0.00515; 1000 Genomes Project 0.00559.
gnomAD v4.1: 1,408 of 152,320 alleles (0.92%); highest among the groups gnomAD compares: Non-Finnish European, 1.3%; 7 homozygotes.

Submissions (4):

Blueprint Genetics
Classification: Likely benign. Last evaluated: 2024-11-27. Review status: criteria provided, single submitter. Criteria: ACMG Guidelines, 2015. Collection method: clinical testing. Allele origin: germline.

CeGaT Center for Human Genetics Tuebingen
Classification: Benign. Last evaluated: 2023-06-01. Review status: criteria provided, single submitter. Criteria: CeGaT Center For Human Genetics Tuebingen Variant Classification Criteria Version 2. Collection method: clinical testing. Allele origin: germline. Affected: yes. Observed: 13 variant alleles.
Comment: FGF14: BS1, BS2

Breakthrough Genomics
Classification: Likely benign. Review status: criteria provided, single submitter. Criteria: ACMG Guidelines, 2015. Collection method: not provided. Allele origin: germline. Inheritance: Autosomal dominant inheritance. Affected: yes.

PreventionGenetics, part of Exact Sciences
Classification: Benign for FGF14-related condition. Last evaluated: 2020-07-28. Review status: no assertion criteria provided. Collection method: clinical testing. Allele origin: germline. Not counted in ClinVar's aggregate classification.
Comment: This variant is classified as benign based on ACMG/AMP sequence variant interpretation guidelines (Richards et al. 2015 PMID: 25741868, with internal and published modifications).